The following is an entry in ClinVar:

NM_003482.4(KMT2D):c.5744A>G (p.Glu1915Gly)

Gene: KMT2D (lysine methyltransferase 2D; minus strand). Cytogenetic location: 12q13.12.
Variant type: single nucleotide variant.
Coding change: c.5744A>G on transcript NM_003482.4 (MANE Select); coding-DNA position 5744, A replaced by G.
Protein change: p.Glu1915Gly; replaces glutamic acid 1915 with glycine.
Molecular consequence: missense variant.
Genome position (GRCh38, 1-based): chr12:49,042,779, T>C on the plus strand (A>G on the coding strand, the complement: KMT2D is on the minus strand). VCF-style: chr12-49042779-T-C. GRCh37 (hg19) VCF-style: chr12-49436562-T-C.
Other names: short protein forms E1915G.
Identifiers: ClinVar variation 2765128 (VCV002765128.4), dbSNP rs2498410189, ClinGen allele CA384628915.

ClinVar aggregate classification (germline): Uncertain significance. Review status: criteria provided, multiple submitters, no conflicts (2 of 4 stars). 2 submissions from 2 submitters: Uncertain significance (2). Last evaluated 2025-09-10.

Conditions:
Inborn genetic diseases. Identifiers: MedGen C0950123, MeSH D030342.
Kabuki syndrome. Also called: NIIKAWA-KUROKI SYNDROME; Kabuki make-up syndrome. Identifiers: Orphanet 2322, MedGen C0796004, MONDO:0016512.

Submissions (2):

Ambry Genetics
Classification: Uncertain significance for Inborn genetic diseases. Last evaluated: 2025-09-10. Review status: criteria provided, single submitter. Criteria: Ambry Variant Classification Scheme 2023. Collection method: clinical testing. Allele origin: germline.

Labcorp Genetics (formerly Invitae), Labcorp
Classification: Uncertain significance for Kabuki syndrome. Last evaluated: 2023-10-04. Review status: criteria provided, single submitter. Criteria: Invitae Variant Classification Sherloc (09022015). Collection method: clinical testing. Allele origin: germline.
Comment: This sequence change replaces glutamic acid, which is acidic and polar, with glycine, which is neutral and non-polar, at codon 1915 of the KMT2D protein (p.Glu1915Gly). This variant is not present in population databases (gnomAD no frequency). This variant has not been reported in the literature in individuals affected with KMT2D-related conditions. Advanced modeling of protein sequence and biophysical properties (such as structural, functional, and spatial information, amino acid conservation, physicochemical variation, residue mobility, and thermodynamic stability) performed at Invitae indicates that this missense variant is not expected to disrupt KMT2D protein function. In summary, the available evidence is currently insufficient to determine the role of this variant in disease. Therefore, it has been classified as a Variant of Uncertain Significance.